The following is an entry in ClinVar:

ClinVar aggregate classification (germline): Uncertain significance (1 of 4 stars; one submission).

Allele frequency attached by ClinVar (database versions not stated): gnomAD exomes below 0.00001 and 0.00001; ExAC 0.00001; gnomAD 0.00002; TOPMed 0.00002.
gnomAD v4.1: 7 of 1,582,134 alleles (0.00044%); highest among the groups gnomAD compares: African/African-American, 0.0014%; no homozygotes.

Submission:

Labcorp Genetics (formerly Invitae), Labcorp
Classification: Uncertain significance. Last evaluated: 2022-11-22. Review status: criteria provided, single submitter. Criteria: Invitae Variant Classification Sherloc (09022015). Collection method: clinical testing. Allele origin: germline.
Comment: In summary, the available evidence is currently insufficient to determine the role of this variant in disease. Therefore, it has been classified as a Variant of Uncertain Significance. Variants that disrupt the consensus splice site are a relatively common cause of aberrant splicing (PMID: 17576681, 9536098). Algorithms developed to predict the effect of sequence changes on RNA splicing suggest that this variant may disrupt the consensus splice site. ClinVar contains an entry for this variant (Variation ID: 1427664). This variant has not been reported in the literature in individuals affected with ELMOD3-related conditions. This variant is present in population databases (rs759029330, gnomAD 0.002%). This sequence change falls in intron 5 of the ELMOD3 gene. It does not directly change the encoded amino acid sequence of the ELMOD3 protein. It affects a nucleotide within the consensus splice site.

Literature cited by the submitters: PubMed 17576681; PubMed 9536098.

NM_001135022.2(ELMOD3):c.54+4A>C

Gene: ELMOD3 (ELMO domain containing 3; plus strand). Cytogenetic location: 2p11.2.
Variant type: single nucleotide variant.
Coding change: c.54+4A>C on transcript NM_001135022.2 (MANE Select); 4 bases into the intron after coding-DNA position 54, A replaced by C.
Molecular consequence: intron variant.
Genome position (GRCh38, 1-based): chr2:85,357,256, A>C. VCF-style: chr2-85357256-A-C. GRCh37 (hg19) VCF-style: chr2-85584379-A-C.
Other names: c.54+4A>C (NM_001329791.2, NM_001135021.2, NM_001135023.2 and 2 more transcripts).
Identifiers: ClinVar variation 1427664 (VCV001427664.6), dbSNP rs759029330, ClinGen allele CA1740170.